The following is an entry in ClinVar:

ClinVar aggregate classification (germline): Uncertain significance. Review status: criteria provided, multiple submitters, no conflicts (2 of 4 stars). 2 submissions from 2 submitters: Uncertain significance (2). Last evaluated 2024-05-02.

Conditions:
Hereditary cancer-predisposing syndrome. Also called: Hereditary neoplastic syndrome; Tumor predisposition; Hereditary Cancer Syndrome; Neoplastic Syndromes, Hereditary. Identifiers: Orphanet 140162, MedGen C0027672, MeSH D009386, MONDO:0015356.

Submissions (2):

Ambry Genetics
Classification: Uncertain significance for Hereditary cancer-predisposing syndrome. Last evaluated: 2024-05-02. Review status: criteria provided, single submitter. Criteria: Ambry Variant Classification Scheme 2023. Collection method: clinical testing. Allele origin: germline.
Comment: The p.S412L variant (also known as c.1235C>T), located in coding exon 8 of the MSH3 gene, results from a C to T substitution at nucleotide position 1235. The serine at codon 412 is replaced by leucine, an amino acid with dissimilar properties. This amino acid position is not well conserved in available vertebrate species. In addition, this alteration is predicted to be tolerated by in silico analysis. Based on the available evidence, the clinical significance of this variant remains unclear.

Labcorp Genetics (formerly Invitae), Labcorp
Classification: Uncertain significance. Last evaluated: 2022-04-13. Review status: criteria provided, single submitter. Criteria: Invitae Variant Classification Sherloc (09022015). Collection method: clinical testing. Allele origin: germline.
Comment: In summary, the available evidence is currently insufficient to determine the role of this variant in disease. Therefore, it has been classified as a Variant of Uncertain Significance. This sequence change replaces serine, which is neutral and polar, with leucine, which is neutral and non-polar, at codon 412 of the MSH3 protein (p.Ser412Leu). This variant is not present in population databases (gnomAD no frequency). This variant has not been reported in the literature in individuals affected with MSH3-related conditions. Algorithms developed to predict the effect of missense changes on protein structure and function output the following: SIFT: "Tolerated"; PolyPhen-2: "Benign"; Align-GVGD: "Class C0". The leucine amino acid residue is found in multiple mammalian species, which suggests that this missense change does not adversely affect protein function.

NM_002439.5(MSH3):c.1235C>T (p.Ser412Leu)

Gene: MSH3 (mutS homolog 3; plus strand). Cytogenetic location: 5q14.1.
Variant type: single nucleotide variant.
Coding change: c.1235C>T on transcript NM_002439.5 (MANE Select); coding-DNA position 1235, C replaced by T.
Protein change: p.Ser412Leu; replaces serine 412 with leucine.
Molecular consequence: missense variant.
Genome position (GRCh38, 1-based): chr5:80,678,988, C>T. VCF-style: chr5-80678988-C-T. GRCh37 (hg19) VCF-style: chr5-79974807-C-T.
Other names: c.1235C>T (NM_002439.3); short protein forms S412L.
Identifiers: ClinVar variation 2125884 (VCV002125884.5), dbSNP rs2546726592, ClinGen allele CA360268944.